The following is an entry in ClinVar:

ClinVar aggregate classification (germline): Uncertain significance (1 of 4 stars; one submission).

Conditions:
Usher syndrome type 3B. Also called: USHER SYNDROME, TYPE IIIB. Identifiers: MedGen C3281066, MONDO:0013788, OMIM 614504.

Allele frequency attached by ClinVar (database versions not stated): gnomAD exomes below 0.00001.

Submission:

Labcorp Genetics (formerly Invitae), Labcorp
Classification: Uncertain significance for Usher syndrome type 3B. Last evaluated: 2023-12-23. Review status: criteria provided, single submitter. Criteria: Invitae Variant Classification Sherloc (09022015). Collection method: clinical testing. Allele origin: germline.
Comment: This sequence change replaces phenylalanine, which is neutral and non-polar, with leucine, which is neutral and non-polar, at codon 231 of the HARS protein (p.Phe231Leu). This variant is not present in population databases (gnomAD no frequency). This variant has not been reported in the literature in individuals affected with HARS-related conditions. Advanced modeling of protein sequence and biophysical properties (such as structural, functional, and spatial information, amino acid conservation, physicochemical variation, residue mobility, and thermodynamic stability) performed at Invitae indicates that this missense variant is not expected to disrupt HARS protein function with a negative predictive value of 80%. In summary, the available evidence is currently insufficient to determine the role of this variant in disease. Therefore, it has been classified as a Variant of Uncertain Significance.

NM_002109.6(HARS1):c.693C>G (p.Phe231Leu)

Gene: HARS1 (histidyl-tRNA synthetase 1; minus strand). Cytogenetic location: 5q31.3.
Variant type: single nucleotide variant.
Coding change: c.693C>G on transcript NM_002109.6 (MANE Select); coding-DNA position 693, C replaced by G.
Protein change: p.Phe231Leu; replaces phenylalanine 231 with leucine.
Molecular consequence: missense variant.
Genome position (GRCh38, 1-based): chr5:140,677,691, G>C on the plus strand (C>G on the coding strand, the complement: HARS1 is on the minus strand). VCF-style: chr5-140677691-G-C. GRCh37 (hg19) VCF-style: chr5-140057276-G-C.
Other names: c.573C>G, p.Phe191Leu (NM_001258040.3); c.633C>G, p.Phe211Leu (NM_001258041.3); c.513C>G, p.Phe171Leu (NM_001258042.3); c.471C>G, p.Phe157Leu (NM_001289092.2); c.351C>G, p.Phe117Leu (NM_001289093.2); c.606C>G, p.Phe202Leu (NM_001289094.2); short protein forms F157L, F191L, F171L, F211L, F117L, F202L, F231L.
Identifiers: ClinVar variation 2868210 (VCV002868210.3), dbSNP rs868835568, ClinGen allele CA361254766.